The following is an entry in ClinVar:

NM_001166114.2(PNPLA6):c.3701A>T (p.Asp1234Val)

Gene: PNPLA6 (patatin like domain 6, lysophospholipase; plus strand). Cytogenetic location: 19p13.2.
Variant type: single nucleotide variant.
Coding change: c.3701A>T on transcript NM_001166114.2 (MANE Select); coding-DNA position 3701, A replaced by T.
Protein change: p.Asp1234Val; replaces aspartic acid 1234 with valine.
Molecular consequence: missense variant.
Genome position (GRCh38, 1-based): chr19:7,560,649, A>T. VCF-style: chr19-7560649-A-T. GRCh37 (hg19) VCF-style: chr19-7625535-A-T.
Other names: c.3731A>T, p.Asp1244Val (NM_001166111.2); c.3506A>T, p.Asp1169Val (NM_001166112.2); c.3587A>T, p.Asp1196Val (NM_001166113.1, NM_006702.5); short protein forms D1169V, D1244V, D1196V, D1234V.
Identifiers: ClinVar variation 1350323 (VCV001350323.6), dbSNP rs778792847, ClinGen allele CA9140556.

ClinVar aggregate classification (germline): Uncertain significance (1 of 4 stars; one submission).

Conditions:
Hereditary spastic paraplegia 39 (SPG39). Also called: SPASTIC PARAPLEGIA 39, AUTOSOMAL RECESSIVE; Spastic Paraplegia Type 39 (SPG39). Identifiers: Orphanet 139480, MedGen C2677586, MONDO:0012787, OMIM 612020.

Allele frequency attached by ClinVar (database versions not stated): gnomAD exomes below 0.00001; TOPMed below 0.00001; ExAC 0.00001.
gnomAD v4.1: 3 of 1,603,182 alleles (0.00019%); highest among the groups gnomAD compares: Non-Finnish European, 0.00017%; no homozygotes.

Submission:

Labcorp Genetics (formerly Invitae), Labcorp
Classification: Uncertain significance for Hereditary spastic paraplegia 39. Last evaluated: 2025-05-19. Review status: criteria provided, single submitter. Criteria: Invitae Variant Classification Sherloc (09022015). Collection method: clinical testing. Allele origin: germline.
Comment: This sequence change replaces aspartic acid, which is acidic and polar, with valine, which is neutral and non-polar, at codon 1196 of the PNPLA6 protein (p.Asp1196Val). This variant is present in population databases (rs778792847, gnomAD 0.0009%). This variant has not been reported in the literature in individuals affected with PNPLA6-related conditions. ClinVar contains an entry for this variant (Variation ID: 1350323). An algorithm developed to predict the effect of missense changes on protein structure and function (PolyPhen-2) suggests that this variant is likely to be tolerated. In summary, the available evidence is currently insufficient to determine the role of this variant in disease. Therefore, it has been classified as a Variant of Uncertain Significance.